The following is an entry in ClinVar:

NM_003072.5(SMARCA4):c.3216-8C>T

Gene: SMARCA4 (SWI/SNF related BAF chromatin remodeling complex subunit ATPase 4; plus strand). Cytogenetic location: 19p13.2.
Variant type: single nucleotide variant.
Coding change: c.3216-8C>T on transcript NM_003072.5 (MANE Select); 8 bases into the intron before coding-DNA position 3216, C replaced by T.
Molecular consequence: intron variant.
Genome position (GRCh38, 1-based): chr19:11,027,776, C>T. VCF-style: chr19-11027776-C-T. GRCh37 (hg19) VCF-style: chr19-11138452-C-T.
Other names: c.3216-8C>T (NM_001128844.3, NM_001128849.3, NM_001128847.4 and 5 more transcripts).
Identifiers: ClinVar variation 238425 (VCV000238425.12), dbSNP rs759031274, ClinGen allele CA9204379.
Genomic context (GRCh38, chr19:11,027,776, plus strand): 5'-CCTTACCTGCCTGCAGGGTTCCAGGTTTAACATCCTGCGCCTTCTCTCCTGCCTCCTCCA[C>T]ACTCCAGGCTGGACCTGTACCGAGCCTCGGGTAAATTTGAGCTTCTTGATAGAATTCTTC-3'

ClinVar aggregate classification (germline): Likely benign. Review status: criteria provided, multiple submitters, no conflicts (2 of 4 stars). 2 submissions from 2 submitters: Likely benign (2). Last evaluated 2026-07-07.

Conditions:
Rhabdoid tumor predisposition syndrome 2 (RTPS2). Identifiers: Orphanet 231108, Orphanet 69077, MedGen C2750074, MONDO:0013224, OMIM 613325.

Allele frequency attached by ClinVar (database versions not stated): TOPMed below 0.00001; ExAC 0.00002; gnomAD exomes 0.00004 and 0.00001; gnomAD 0.00001.
gnomAD v4.1: 13 of 1,613,914 alleles (0.00081%); highest among the groups gnomAD compares: East Asian, 0.025%; no homozygotes.

Submissions (2):

Myriad Genetics, Inc.
Classification: Likely benign for Rhabdoid tumor predisposition syndrome 2. Last evaluated: 2026-07-07. Review status: criteria provided, single submitter. Criteria: Myriad Autosomal Dominant, Autosomal Recessive and X-Linked Classification Criteria (2023). Collection method: clinical testing. Allele origin: unknown.
Comment: This variant is considered likely benign. This variant is intronic and is not expected to impact mRNA splicing.

Labcorp Genetics (formerly Invitae), Labcorp
Classification: Likely benign for Rhabdoid tumor predisposition syndrome 2. Last evaluated: 2026-01-19. Review status: criteria provided, single submitter. Criteria: Invitae Variant Classification Sherloc (09022015). Collection method: clinical testing. Allele origin: germline.